The following is an entry in ClinVar:

NM_001089.3(ABCA3):c.4316A>T (p.Asp1439Val)

Gene: ABCA3 (ATP binding cassette subfamily A member 3; minus strand). Cytogenetic location: 16p13.3.
Variant type: single nucleotide variant.
Coding change: c.4316A>T on transcript NM_001089.3 (MANE Select); coding-DNA position 4316, A replaced by T.
Protein change: p.Asp1439Val; replaces aspartic acid 1439 with valine.
Molecular consequence: missense variant.
Genome position (GRCh38, 1-based): chr16:2,281,070, T>A on the plus strand (A>T on the coding strand, the complement: ABCA3 is on the minus strand). VCF-style: chr16-2281070-T-A. GRCh37 (hg19) VCF-style: chr16-2331071-T-A.
Other names: short protein forms D1439V.
Identifiers: ClinVar variation 4262837 (VCV004262837.1).

ClinVar aggregate classification (germline): Uncertain significance (1 of 4 stars; one submission).

Conditions:
Hereditary pulmonary alveolar proteinosis. Also called: Pulmonary surfactant metabolism dysfunction. Identifiers: Orphanet 264675, MedGen C3711368, MONDO:0012580.

Submission:

Ambry Genetics
Classification: Uncertain significance for Hereditary pulmonary alveolar proteinosis. Last evaluated: 2025-07-07. Review status: criteria provided, single submitter. Criteria: Ambry Variant Classification Scheme 2023. Collection method: clinical testing. Allele origin: germline.
Comment: The p.D1439V variant (also known as c.4316A>T), located in coding exon 25 of the ABCA3 gene, results from an A to T substitution at nucleotide position 4316. The aspartic acid at codon 1439 is replaced by valine, an amino acid with highly dissimilar properties. This amino acid position is conserved. In addition, this alteration is predicted to be deleterious by in silico analysis. Based on the available evidence, the clinical significance of this variant remains unclear.